The following is an entry in ClinVar:

ClinVar aggregate classification (germline): Uncertain significance (1 of 4 stars; one submission).

Submission:

Labcorp Genetics (formerly Invitae), Labcorp
Classification: Uncertain significance. Last evaluated: 2022-08-01. Review status: criteria provided, single submitter. Criteria: Invitae Variant Classification Sherloc (09022015). Collection method: clinical testing. Allele origin: germline.
Comment: In summary, the available evidence is currently insufficient to determine the role of this variant in disease. Therefore, it has been classified as a Variant of Uncertain Significance. Algorithms developed to predict the effect of missense changes on protein structure and function are either unavailable or do not agree on the potential impact of this missense change (SIFT: "Deleterious"; PolyPhen-2: "Probably Damaging"; Align-GVGD: "Class C0"). This variant has not been reported in the literature in individuals affected with HMCN1-related conditions. This variant is not present in population databases (gnomAD no frequency). This sequence change replaces proline, which is neutral and non-polar, with leucine, which is neutral and non-polar, at codon 833 of the HMCN1 protein (p.Pro833Leu).

NM_031935.3(HMCN1):c.2498C>T (p.Pro833Leu)

Gene: HMCN1 (hemicentin 1; plus strand). Cytogenetic location: 1q31.1.
Variant type: single nucleotide variant.
Coding change: c.2498C>T on transcript NM_031935.3 (MANE Select); coding-DNA position 2498, C replaced by T.
Protein change: p.Pro833Leu; replaces proline 833 with leucine.
Molecular consequence: missense variant.
Genome position (GRCh38, 1-based): chr1:185,977,913, C>T. VCF-style: chr1-185977913-C-T. GRCh37 (hg19) VCF-style: chr1-185947045-C-T.
Other names: short protein forms P833L.
Identifiers: ClinVar variation 2010816 (VCV002010816.4), dbSNP rs2527335384, ClinGen allele CA343883762.
Genomic context (GRCh38, chr1:185,977,913, plus strand): 5'-CTTGTTATGTTCAGGGTTATCCAGAACCAACAATCAAATGGCGAAGATTAGACAACATGC[C>T]AATTTTCTCAAGACCTTTTTCAGTTAGTTCCATCAGCCAACTAAGAACAGGAGCTCTCTT-3'
Protein context (NP_114141.2, residues 823-843): TIKWRRLDNM[Pro833Leu]IFSRPFSVSS